The following is an entry in ClinVar:

ClinVar aggregate classification (germline): Uncertain significance. Review status: criteria provided, multiple submitters, no conflicts (2 of 4 stars). 3 submissions from 3 submitters: Uncertain significance (3). Last evaluated 2025-08-07.

Allele frequency attached by ClinVar (database versions not stated): gnomAD 0.00001; TOPMed 0.00002.
gnomAD v4.1: 22 of 1,613,282 alleles (0.0014%); highest among the groups gnomAD compares: Admixed American, 0.033%; no homozygotes.

Submissions (3):

Ambry Genetics
Classification: Uncertain significance. Last evaluated: 2025-08-07. Review status: criteria provided, single submitter. Criteria: Ambry Variant Classification Scheme 2023. Collection method: clinical testing. Allele origin: germline.

GeneDx
Classification: Uncertain significance. Last evaluated: 2023-11-13. Review status: criteria provided, single submitter. Criteria: GeneDx Variant Classification Process June 2021. Collection method: clinical testing. Allele origin: germline. Affected: yes.
Comment: In silico analysis supports that this missense variant does not alter protein structure/function; Has not been previously published as pathogenic or benign to our knowledge

Labcorp Genetics (formerly Invitae), Labcorp
Classification: Uncertain significance. Last evaluated: 2022-08-16. Review status: criteria provided, single submitter. Criteria: Invitae Variant Classification Sherloc (09022015). Collection method: clinical testing. Allele origin: germline.
Comment: This sequence change replaces methionine, which is neutral and non-polar, with isoleucine, which is neutral and non-polar, at codon 517 of the RUSC2 protein (p.Met517Ile). This variant is present in population databases (rs763232197, gnomAD 0.05%). This variant has not been reported in the literature in individuals affected with RUSC2-related conditions. ClinVar contains an entry for this variant (Variation ID: 1377316). Algorithms developed to predict the effect of missense changes on protein structure and function are either unavailable or do not agree on the potential impact of this missense change (SIFT: "Deleterious"; PolyPhen-2: "Probably Damaging"; Align-GVGD: "Class C0"). In summary, the available evidence is currently insufficient to determine the role of this variant in disease. Therefore, it has been classified as a Variant of Uncertain Significance.

NM_014806.5(RUSC2):c.1551G>T (p.Met517Ile)

Gene: RUSC2 (RUN and SH3 domain containing 2; plus strand). Cytogenetic location: 9p13.3.
Variant type: single nucleotide variant.
Coding change: c.1551G>T on transcript NM_014806.5 (MANE Select); coding-DNA position 1551, G replaced by T.
Protein change: p.Met517Ile; replaces methionine 517 with isoleucine.
Molecular consequence: missense variant. On other transcripts: non-coding transcript variant (1), intron variant (1).
Genome position (GRCh38, 1-based): chr9:35,548,072, G>T. VCF-style: chr9-35548072-G-T. GRCh37 (hg19) VCF-style: chr9-35548069-G-T.
Other names: c.1551G>T, p.Met517Ile (NM_001135999.2); c.-620-6988G>T (NM_001330740.2); c.1551G>T (NM_001135999.1); short protein forms M517I.
Identifiers: ClinVar variation 1377316 (VCV001377316.5), dbSNP rs763232197, ClinGen allele CA5043671.